The following is an entry in ClinVar:

ClinVar aggregate classification (germline): Pathogenic/Likely pathogenic. Review status: criteria provided, multiple submitters, no conflicts (2 of 4 stars). 3 submissions from 3 submitters: Pathogenic (1); Likely pathogenic (1). 1 of the submissions does not count toward it. Last evaluated 2025-10-02.

Conditions:
Microcephalic osteodysplastic primordial dwarfism type II (MOPD2). Also called: MOPD II; OSTEODYSPLASTIC PRIMORDIAL DWARFISM, TYPE II; Microcephalic osteodysplastic primordial dwarfism with tooth abnormalities. Identifiers: Orphanet 2637, MedGen C0432246, MONDO:0008872, OMIM 210720.
PCNT-related disorder. Also called: PCNT-related condition.

Allele frequency attached by ClinVar (database versions not stated): gnomAD exomes 0.00001; TOPMed 0.00002; ExAC 0.00001.
gnomAD v4.1: 9 of 1,614,126 alleles (0.00056%); highest among the groups gnomAD compares: African/African-American, 0.0013%; no homozygotes.

Submissions (3):

Variantyx, Inc.
Classification: Likely pathogenic for Microcephalic osteodysplastic primordial dwarfism type II. Last evaluated: 2025-10-02. Review status: criteria provided, single submitter. Criteria: Variantyx Assertion Criteria 2022. Collection method: clinical testing. Allele origin: germline. Inheritance: Autosomal recessive inheritance. Affected: yes.
Comment: This is a nonsense variant in the PCNT gene (OMIM: 605925). Pathogenic variants in this gene have been associated with autosomal recessive microcephalic osteodysplastic primordial dwarfism, type II. This variant introduces a premature termination codon in exon 28 out of 47 and is expected to result in loss of function, which is a known disease mechanism for PCNT in this disorder (PMID: 18174396, 22821869) (PVS1). This variant has a 0.0030% maximum allele frequency in non-founder control populations (PM2). Based on the current evidence, this variant is classified as likely pathogenic for autosomal recessive microcephalic osteodysplastic primordial dwarfism, type II.

Labcorp Genetics (formerly Invitae), Labcorp
Classification: Pathogenic. Last evaluated: 2023-03-18. Review status: criteria provided, single submitter. Criteria: Invitae Variant Classification Sherloc (09022015). Collection method: clinical testing. Allele origin: germline.
Comment: This sequence change creates a premature translational stop signal (p.Arg1730*) in the PCNT gene. It is expected to result in an absent or disrupted protein product. Loss-of-function variants in PCNT are known to be pathogenic (PMID: 18174396, 22821869). This variant is present in population databases (rs755987047, gnomAD 0.007%). This variant has not been reported in the literature in individuals affected with PCNT-related conditions. For these reasons, this variant has been classified as Pathogenic.

PreventionGenetics, part of Exact Sciences
Classification: Likely pathogenic for PCNT-related condition. Last evaluated: 2024-08-02. Review status: no assertion criteria provided. Collection method: clinical testing. Allele origin: germline. Not counted in ClinVar's aggregate classification.
Comment: The PCNT c.5188C>T variant is predicted to result in premature protein termination (p.Arg1730*). To our knowledge, this variant has not been reported in the literature. This variant is reported in 0.0062% of alleles in individuals of African descent in gnomAD and is reported as pathogenic in ClinVar. Nonsense variants in PCNT are expected to be pathogenic. This variant is interpreted as likely pathogenic.

Literature cited by the submitters: PubMed 18174396 (cited by Variantyx, Inc. and Labcorp Genetics (formerly Invitae), Labcorp); PubMed 22821869 (cited by Variantyx, Inc. and Labcorp Genetics (formerly Invitae), Labcorp).

NM_006031.6(PCNT):c.5188C>T (p.Arg1730Ter)

Gene: PCNT (pericentrin; plus strand). Cytogenetic location: 21q22.3.
Variant type: single nucleotide variant.
Coding change: c.5188C>T on transcript NM_006031.6 (MANE Select); coding-DNA position 5188, C replaced by T.
Protein change: p.Arg1730Ter; replaces arginine 1730 with a stop codon.
Molecular consequence: nonsense.
Genome position (GRCh38, 1-based): chr21:46,411,261, C>T. VCF-style: chr21-46411261-C-T. GRCh37 (hg19) VCF-style: chr21-47831175-C-T.
Other names: c.5188C>T (NM_006031.5); c.4834C>T, p.Arg1612Ter (NM_001315529.2); short protein forms R1612*, R1730*.
Identifiers: ClinVar variation 2963639 (VCV002963639.5), dbSNP rs755987047, ClinGen allele CA10079921.
Genomic context (GRCh38, chr21:46,411,261, plus strand): 5'-AGAAGTTCTGAGATTGAAGAGCTGAAAGCCACTATTGAAAATCTGCAAGAGAATCAGAAA[C>T]GATTACAAAAGGAGAAAGCAGAGGAAATTGAACAACTCCATGAAGTCATTGAGAAGCTGC-3'